The following is an entry in ClinVar:

ClinVar aggregate classification (germline): Conflicting classifications of pathogenicity. Review status: criteria provided, conflicting classifications (1 of 4 stars). 2 submissions from 2 submitters: Uncertain significance (1); Likely benign (1). Last evaluated 2025-11-11.

Conditions:
Hereditary cancer-predisposing syndrome. Also called: Hereditary neoplastic syndrome; Tumor predisposition; Hereditary Cancer Syndrome; Neoplastic Syndromes, Hereditary. Identifiers: Orphanet 140162, MedGen C0027672, MeSH D009386, MONDO:0015356.
POLD1-related polyposis and colorectal cancer syndrome (CRCS10). Also called: Colorectal cancer, susceptibility to, 10; Colorectal cancer 10; COLORECTAL CANCER, SUSCEPTIBILITY TO, ON CHROMOSOME 19q. Identifiers: Orphanet 220460, MedGen C2675481, MONDO:0012953, OMIM 612591.

Allele frequency attached by ClinVar (database versions not stated): TOPMed 0.00001; gnomAD 0.00002.
gnomAD v4.1: 3 of 1,610,834 alleles (0.00019%); highest among the groups gnomAD compares: African/African-American, 0.0027%; no homozygotes.

Submissions (2):

Labcorp Genetics (formerly Invitae), Labcorp
Classification: Uncertain significance for POLD1-related polyposis and colorectal cancer syndrome. Last evaluated: 2025-11-11. Review status: criteria provided, single submitter. Criteria: Invitae Variant Classification Sherloc (09022015). Collection method: clinical testing. Allele origin: germline.
Comment: This sequence change replaces glutamine, which is neutral and polar, with arginine, which is basic and polar, at codon 628 of the POLD1 protein (p.Gln628Arg). This variant is not present in population databases (gnomAD no frequency). This variant has not been reported in the literature in individuals affected with POLD1-related conditions. ClinVar contains an entry for this variant (Variation ID: 662708). Invitae Evidence Modeling of protein sequence and biophysical properties (such as structural, functional, and spatial information, amino acid conservation, physicochemical variation, residue mobility, and thermodynamic stability) indicates that this missense variant is not expected to disrupt POLD1 protein function with a negative predictive value of 80%. In summary, the available evidence is currently insufficient to determine the role of this variant in disease. Therefore, it has been classified as a Variant of Uncertain Significance.

Ambry Genetics
Classification: Likely benign for Hereditary cancer-predisposing syndrome. Last evaluated: 2024-12-27. Review status: criteria provided, single submitter. Criteria: Ambry Variant Classification Scheme 2023. Collection method: clinical testing. Allele origin: germline.

NM_002691.4(POLD1):c.1883A>G (p.Gln628Arg)

Gene: POLD1 (DNA polymerase delta 1, catalytic subunit; plus strand). Cytogenetic location: 19q13.33.
Variant type: single nucleotide variant.
Coding change: c.1883A>G on transcript NM_002691.4 (MANE Select); coding-DNA position 1883, A replaced by G.
Protein change: p.Gln628Arg; replaces glutamine 628 with arginine.
Molecular consequence: missense variant. On other transcripts: non-coding transcript variant (1).
Genome position (GRCh38, 1-based): chr19:50,408,892, A>G. VCF-style: chr19-50408892-A-G. GRCh37 (hg19) VCF-style: chr19-50912149-A-G.
Other names: c.1883A>G, p.Gln628Arg (NM_001256849.1); c.1961A>G, p.Gln654Arg (NM_001308632.1); short protein forms Q628R, Q654R.
Identifiers: ClinVar variation 662708 (VCV000662708.12), dbSNP rs1436409342, ClinGen allele CA406982152.